The following is an entry in ClinVar:

NM_014908.4(DOLK):c.1445C>T (p.Ala482Val)

Gene: DOLK (dolichol kinase; minus strand). Cytogenetic location: 9q34.11.
Variant type: single nucleotide variant.
Coding change: c.1445C>T on transcript NM_014908.4 (MANE Select); coding-DNA position 1445, C replaced by T.
Protein change: p.Ala482Val; replaces alanine 482 with valine.
Molecular consequence: missense variant.
Genome position (GRCh38, 1-based): chr9:128,945,859, G>A on the plus strand (C>T on the coding strand, the complement: DOLK is on the minus strand). VCF-style: chr9-128945859-G-A. GRCh37 (hg19) VCF-style: chr9-131708138-G-A.
Other names: short protein forms A482V.
Identifiers: ClinVar variation 1352727 (VCV001352727.8), dbSNP rs767693634, ClinGen allele CA5271561.
Genomic context (GRCh38, chr9:128,945,859, plus strand): 5'-CTGTAGTTTAGGTCCACTCCACTGTCAAAGATTAAGATCAGAGCTACAGAAATGATCTGC[G>A]CAAATATAGATGTCATGGTCCCCTCAAAAGTCTTTTTGGTTCCAGGCCAGCGGATCTCCC-3'
Protein context (NP_055723.1, residues 472-492): TFEGTMTSIF[Ala482Val]QIISVALILI

ClinVar aggregate classification (germline): Uncertain significance. Review status: criteria provided, multiple submitters, no conflicts (2 of 4 stars). 2 submissions from 2 submitters: Uncertain significance (2). Last evaluated 2024-11-13.

Conditions:
Cardiovascular phenotype. Identifiers: MedGen CN230736.
DK1-congenital disorder of glycosylation. Also called: CDG Im; DK1 DEFICIENCY; DOLICHOL KINASE DEFICIENCY; DK1-CDG; DOLK-congenital disorder of glycosylation; Carbohydrate deficient glycoprotein syndrome type 1m. Identifiers: Orphanet 91131, MedGen C1835849, MONDO:0012556, OMIM 610768.

Allele frequency attached by ClinVar (database versions not stated): ExAC 0.00001; gnomAD exomes 0.00001; TOPMed 0.00001; gnomAD 0.00002.

Submissions (2):

Ambry Genetics
Classification: Uncertain significance for Cardiovascular phenotype. Last evaluated: 2024-11-13. Review status: criteria provided, single submitter. Criteria: Ambry Variant Classification Scheme 2023. Collection method: clinical testing. Allele origin: germline.
Comment: The p.A482V variant (also known as c.1445C>T), located in coding exon 1 of the DOLK gene, results from a C to T substitution at nucleotide position 1445. The alanine at codon 482 is replaced by valine, an amino acid with similar properties. This amino acid position is highly conserved in available vertebrate species. In addition, this alteration is predicted to be deleterious by in silico analysis. Since supporting evidence is limited at this time, the clinical significance of this alteration remains unclear.

Labcorp Genetics (formerly Invitae), Labcorp
Classification: Uncertain significance for DK1-congenital disorder of glycosylation. Last evaluated: 2021-09-01. Review status: criteria provided, single submitter. Criteria: Invitae Variant Classification Sherloc (09022015). Collection method: clinical testing. Allele origin: germline.
Comment: This sequence change replaces alanine with valine at codon 482 of the DOLK protein (p.Ala482Val). The alanine residue is moderately conserved and there is a small physicochemical difference between alanine and valine. This variant is present in population databases (rs767693634, ExAC 0.001%). This variant has not been reported in the literature in individuals affected with DOLK-related conditions. Algorithms developed to predict the effect of missense changes on protein structure and function are either unavailable or do not agree on the potential impact of this missense change (SIFT: "Deleterious"; PolyPhen-2: "Probably Damaging"; Align-GVGD: "Class C0"). In summary, the available evidence is currently insufficient to determine the role of this variant in disease. Therefore, it has been classified as a Variant of Uncertain Significance.